The following is an entry in ClinVar:

ClinVar aggregate classification (germline): Uncertain significance (1 of 4 stars; one submission).

Conditions:
Baraitser-Winter syndrome 1 (BRWS1). Also called: PACHYGYRIA, MENTAL RETARDATION, EPILEPSY, AND CHARACTERISTIC FACIES; MENTAL RETARDATION WITH EPILEPSY AND CHARACTERISTIC FACIES; Cerebrofrontofacial syndrome; BARAITSER-WINTER SYNDROME 1, ATYPICAL. Identifiers: Orphanet 2649, Orphanet 2995, MedGen C1855722, MONDO:0009470, OMIM 243310.

Submission:

Labcorp Genetics (formerly Invitae), Labcorp
Classification: Uncertain significance for Baraitser-Winter syndrome 1. Last evaluated: 2025-10-25. Review status: criteria provided, single submitter. Criteria: Invitae Variant Classification Sherloc (09022015). Collection method: clinical testing. Allele origin: germline.
Comment: This sequence change falls in intron 5 of the ACTB gene. It does not directly change the encoded amino acid sequence of the ACTB protein. It affects a nucleotide within the consensus splice site. This variant is not present in population databases (gnomAD no frequency). This variant has not been reported in the literature in individuals affected with ACTB-related conditions. Variants that disrupt the consensus splice site are a relatively common cause of aberrant splicing (PMID: 17576681, 9536098). Algorithms developed to predict the effect of sequence changes on RNA splicing suggest that this variant is not likely to affect RNA splicing. In summary, the available evidence is currently insufficient to determine the role of this variant in disease. Therefore, it has been classified as a Variant of Uncertain Significance.

Literature cited by the submitters: PubMed 17576681; PubMed 9536098.

NM_001101.5(ACTB):c.984+4_984+5dup

Gene: ACTB (actin beta; minus strand). Cytogenetic location: 7p22.1.
Variant type: Duplication.
Coding change: c.984+4_984+5dup on transcript NM_001101.5 (MANE Select); bases 4 to 5 of the intron after coding-DNA position 984, 2 bases duplicated (GG; older notation c.984+4_984+5dupGG).
Molecular consequence: intron variant.
Genome position (GRCh38, 1-based): chr7:5,527,999-5,528,000, CC duplicated on the plus strand (GG on the coding strand, the reverse complement: ACTB is on the minus strand); duplicating any 2 consecutive bases within chr7:5,527,999-5,528,001 gives the same sequence; the c. name uses the placement nearest the transcript's 3' end. VCF-style (leftmost placement, unchanged base first): chr7-5527998-A-ACC. GRCh37 (hg19) VCF-style: chr7-5567629-A-ACC.
Identifiers: ClinVar variation 4700577 (VCV004700577.1).